The following is an entry in ClinVar:

ClinVar aggregate classification (germline): Benign (1 of 4 stars; one submission).

gnomAD v4.1: 194 of 398,652 alleles (0.049%); highest among the groups gnomAD compares: African/African-American, 0.35%; no homozygotes.

Submission:

CeGaT Center for Human Genetics Tuebingen
Classification: Benign. Last evaluated: 2026-03-01. Review status: criteria provided, single submitter. Criteria: CeGaT Center For Human Genetics Tuebingen Variant Classification Criteria Version 2. Collection method: clinical testing. Allele origin: germline. Affected: yes. Observed: 2 variant alleles.
Comment: KCNQ1OT1: BS1, BS2

NM_000218.3(KCNQ1):c.1514+17167C>T

Genes: KCNQ1 (potassium voltage-gated channel subfamily Q member 1; plus strand), KCNQ1OT1 (KCNQ1 opposite strand/antisense transcript 1; minus strand). Cytogenetic location: 11p15.5.
Variant type: single nucleotide variant.
Coding change: c.1514+17167C>T on transcript NM_000218.3 (MANE Select); 17167 bases into the intron after coding-DNA position 1514, C replaced by T.
Molecular consequence: intron variant. On other transcripts: non-coding transcript variant (1).
Genome position (GRCh38, 1-based): chr11:2,679,248, C>T. VCF-style: chr11-2679248-C-T. GRCh37 (hg19) VCF-style: chr11-2700478-C-T.
Other names: c.1244+17167C>T (NM_001406837.1); c.1418+17167C>T (NM_001406836.1); c.974+17167C>T (NM_001406838.1); c.1133+17167C>T (NM_181798.2).
Identifiers: ClinVar variation 4822351 (VCV004822351.4).
Genomic context (GRCh38, chr11:2,679,248, plus strand): 5'-CCTGTAACAATGCAGCCCCATCCATGTGAAGCTGGTCCAGAGGACTACAGCTGCCTGTCC[C>T]ACCCTTGGCTGTGCTCTCCTTTACTAATCCATAGCCAAAGACAGGGGCTAATAACAGGGT-3'